The following is an entry in ClinVar:

NM_006267.5(RANBP2):c.4154T>C (p.Leu1385Pro)

Gene: RANBP2 (RAN binding protein 2; plus strand). Cytogenetic location: 2q13.
Variant type: single nucleotide variant.
Coding change: c.4154T>C on transcript NM_006267.5 (MANE Select); coding-DNA position 4154, T replaced by C.
Protein change: p.Leu1385Pro; replaces leucine 1385 with proline.
Molecular consequence: missense variant.
Genome position (GRCh38, 1-based): chr2:108,764,693, T>C. VCF-style: chr2-108764693-T-C. GRCh37 (hg19) VCF-style: chr2-109381149-T-C.
Other names: short protein forms L1385P.
Identifiers: ClinVar variation 1472888 (VCV001472888.9), dbSNP rs2149274902, ClinGen allele CA348065847.

ClinVar aggregate classification (germline): Uncertain significance (1 of 4 stars; one submission).

Conditions:
Familial acute necrotizing encephalopathy (IIAE3). Also called: ENCEPHALOPATHY, ACUTE, INFECTION-INDUCED, SUSCEPTIBILITY TO, 3; Susceptibility to Acute Necrotizing Encephalopathy 1. Identifiers: Orphanet 88619, MedGen C2675556, MONDO:0011953, OMIM 608033.

gnomAD v4.1: 1 of 1,613,960 alleles (0.000062%); no homozygotes.

Submission:

Labcorp Genetics (formerly Invitae), Labcorp
Classification: Uncertain significance for Familial acute necrotizing encephalopathy. Last evaluated: 2020-12-12. Review status: criteria provided, single submitter. Criteria: Invitae Variant Classification Sherloc (09022015). Collection method: clinical testing. Allele origin: germline.
Comment: In summary, the available evidence is currently insufficient to determine the role of this variant in disease. Therefore, it has been classified as a Variant of Uncertain Significance. Algorithms developed to predict the effect of missense changes on protein structure and function (SIFT, PolyPhen-2, Align-GVGD) all suggest that this variant is likely to be disruptive, but these predictions have not been confirmed by published functional studies and their clinical significance is uncertain. This variant has not been reported in the literature in individuals with RANBP2-related conditions. This variant is not present in population databases (ExAC no frequency). This sequence change replaces leucine with proline at codon 1385 of the RANBP2 protein (p.Leu1385Pro). The leucine residue is highly conserved and there is a moderate physicochemical difference between leucine and proline.